The following is an entry in ClinVar:

NM_015047.3(EMC1):c.1110T>A (p.Asn370Lys)

Genes: EMC1 (ER membrane protein complex subunit 1; minus strand), EMC1-AS1 (EMC1 antisense RNA 1; plus strand). Cytogenetic location: 1p36.13.
Variant type: single nucleotide variant.
Coding change: c.1110T>A on transcript NM_015047.3 (MANE Select); coding-DNA position 1110, T replaced by A.
Protein change: p.Asn370Lys; replaces asparagine 370 with lysine.
Molecular consequence: missense variant.
Genome position (GRCh38, 1-based): chr1:19,238,119, A>T on the plus strand (T>A on the coding strand, the complement: EMC1 is on the minus strand). VCF-style: chr1-19238119-A-T. GRCh37 (hg19) VCF-style: chr1-19564613-A-T.
Other names: c.1107T>A, p.Asn369Lys (NM_001271427.2, NM_001375821.1); c.1110T>A, p.Asn370Lys (NM_001271428.2, NM_001375820.1); c.1044T>A, p.Asn348Lys (NM_001271429.2); short protein forms N348K, N369K, N370K.
Identifiers: ClinVar variation 4740981 (VCV004740981.1).

ClinVar aggregate classification (germline): Uncertain significance (1 of 4 stars; one submission).

Submission:

Labcorp Genetics (formerly Invitae), Labcorp
Classification: Uncertain significance. Last evaluated: 2025-12-13. Review status: criteria provided, single submitter. Criteria: Invitae Variant Classification Sherloc (09022015). Collection method: clinical testing. Allele origin: germline.
Comment: This sequence change replaces asparagine, which is neutral and polar, with lysine, which is basic and polar, at codon 370 of the EMC1 protein (p.Asn370Lys). This variant is not present in population databases (gnomAD no frequency). This variant has not been reported in the literature in individuals affected with EMC1-related conditions. Invitae Evidence Modeling of protein sequence and biophysical properties (such as structural, functional, and spatial information, amino acid conservation, physicochemical variation, residue mobility, and thermodynamic stability) indicates that this missense variant is not expected to disrupt EMC1 protein function with a negative predictive value of 80%. In summary, the available evidence is currently insufficient to determine the role of this variant in disease. Therefore, it has been classified as a Variant of Uncertain Significance.